The following is an entry in ClinVar:

NM_001080467.3(MYO5B):c.5095T>C (p.Leu1699=)

Genes: MYO5B (myosin VB; minus strand), SNHG22 (small nucleolar RNA host gene 22; plus strand). Cytogenetic location: 18q21.1.
Variant type: single nucleotide variant.
Coding change: c.5095T>C on transcript NM_001080467.3 (MANE Select); coding-DNA position 5095, T replaced by C.
Protein change: p.Leu1699=; no amino-acid change (leucine 1699 retained).
Molecular consequence: synonymous variant.
Genome position (GRCh38, 1-based): chr18:49,837,560, A>G on the plus strand (T>C on the coding strand, the complement: MYO5B is on the minus strand). VCF-style: chr18-49837560-A-G. GRCh37 (hg19) VCF-style: chr18-47363930-A-G.
Other names: c.5095T>C (NM_001080467.2).
Identifiers: ClinVar variation 2648712 (VCV002648712.25), dbSNP rs79271359, ClinGen allele CA8960151.

ClinVar aggregate classification (germline): Likely benign. Review status: criteria provided, single submitter (1 of 4 stars). 2 submissions from 2 submitters: Likely benign (1). 1 of the submissions does not count toward it. Last evaluated 2023-08-01.

Conditions:
MYO5B-related disorder. Also called: MYO5B-related condition.

Allele frequency attached by ClinVar (database versions not stated): gnomAD exomes 0.00253; ExAC 0.07623.

Submissions (2):

CeGaT Center for Human Genetics Tuebingen
Classification: Likely benign. Last evaluated: 2023-08-01. Review status: criteria provided, single submitter. Criteria: CeGaT Center For Human Genetics Tuebingen Variant Classification Criteria Version 2. Collection method: clinical testing. Allele origin: germline. Affected: yes. Observed: 1 variant allele.
Comment: MYO5B: BP4, BP7

PreventionGenetics, part of Exact Sciences
Classification: Benign for MYO5B-related condition. Last evaluated: 2023-06-22. Review status: no assertion criteria provided. Collection method: clinical testing. Allele origin: germline. Not counted in ClinVar's aggregate classification.
Comment: This variant is classified as benign based on ACMG/AMP sequence variant interpretation guidelines (Richards et al. 2015 PMID: 25741868, with internal and published modifications).